The following is an entry in ClinVar:

NM_002340.6(LSS):c.1153C>A (p.Gln385Lys)

Gene: LSS (lanosterol synthase; minus strand). Cytogenetic location: 21q22.3.
Variant type: single nucleotide variant.
Coding change: c.1153C>A on transcript NM_002340.6 (MANE Select); coding-DNA position 1153, C replaced by A.
Protein change: p.Gln385Lys; replaces glutamine 385 with lysine.
Molecular consequence: missense variant.
Genome position (GRCh38, 1-based): chr21:46,210,729, G>T on the plus strand (C>A on the coding strand, the complement: LSS is on the minus strand). VCF-style: chr21-46210729-G-T. GRCh37 (hg19) VCF-style: chr21-47630643-G-T.
Other names: c.1153C>A, p.Gln385Lys (NM_001001438.3); c.1120C>A, p.Gln374Lys (NM_001145436.2); c.913C>A, p.Gln305Lys (NM_001145437.2); short protein forms Q305K, Q385K, Q374K.
Identifiers: ClinVar variation 2692477 (VCV002692477.3), dbSNP rs1429182982, ClinGen allele CA410515484.
Genomic context (GRCh38, chr21:46,210,729, plus strand): 5'-AAGAGAAGGAGCCACGAACCTCAAGCAGAGCCTGGATGGCGAATGCGGTGTCCCAGATCT[G>T]TGAGCCGTTGGTGCCCTACACACAAAGGATGGTGTTACAGCAGCAGATGCAGCCCCTCCC-3'
Protein context (NP_002331.3, residues 375-395): GMKMQGTNGS[Gln385Lys]IWDTAFAIQA

ClinVar aggregate classification (germline): Uncertain significance. Review status: criteria provided, multiple submitters, no conflicts (2 of 4 stars). 2 submissions from 2 submitters: Uncertain significance (2). Last evaluated 2025-01-20.

Allele frequency attached by ClinVar (database versions not stated): gnomAD 0.00001.
gnomAD v4.1: 2 of 1,613,948 alleles (0.00012%); highest among the groups gnomAD compares: Admixed American, 0.0033%; no homozygotes.

Submissions (2):

Labcorp Genetics (formerly Invitae), Labcorp
Classification: Uncertain significance. Last evaluated: 2025-01-20. Review status: criteria provided, single submitter. Criteria: Invitae Variant Classification Sherloc (09022015). Collection method: clinical testing. Allele origin: germline.
Comment: This sequence change replaces glutamine, which is neutral and polar, with lysine, which is basic and polar, at codon 385 of the LSS protein (p.Gln385Lys). The frequency data for this variant in the population databases is considered unreliable, as metrics indicate poor data quality at this position in the gnomAD database. This missense change has been observed in individual(s) with clinical features of LSS-related disorders (internal data). In at least one individual the data is consistent with being in trans (on the opposite chromosome) from a pathogenic variant. ClinVar contains an entry for this variant (Variation ID: 2692477). An algorithm developed to predict the effect of missense changes on protein structure and function (PolyPhen-2) suggests that this variant is likely to be disruptive. In summary, the available evidence is currently insufficient to determine the role of this variant in disease. Therefore, it has been classified as a Variant of Uncertain Significance.

Greenwood Genetic Center Diagnostic Laboratories, Greenwood Genetic Center
Classification: Uncertain significance. Last evaluated: 2023-11-27. Review status: criteria provided, single submitter. Criteria: ACMG Guidelines, 2015. Collection method: clinical testing. Allele origin: germline. Affected: yes.
Comment: PM2, PM3, PP3